The following is an entry in ClinVar:

ClinVar aggregate classification (germline): Uncertain significance. Review status: criteria provided, multiple submitters, no conflicts (2 of 4 stars). 2 submissions from 2 submitters: Uncertain significance (2). Last evaluated 2025-06-30.

Conditions:
Inborn genetic diseases. Identifiers: MedGen C0950123, MeSH D030342.

Allele frequency attached by ClinVar (database versions not stated): ExAC 0.00003; gnomAD 0.00003; TOPMed 0.00006; gnomAD exomes 0.00008; ESP Exome Variant Server 0.00015.
gnomAD v4.1: 118 of 1,613,414 alleles (0.0073%); highest among the groups gnomAD compares: Non-Finnish European, 0.0092%; no homozygotes.

Submissions (2):

Labcorp Genetics (formerly Invitae), Labcorp
Classification: Uncertain significance. Last evaluated: 2025-06-30. Review status: criteria provided, single submitter. Criteria: Invitae Variant Classification Sherloc (09022015). Collection method: clinical testing. Allele origin: germline.
Comment: This sequence change replaces glycine, which is neutral and non-polar, with arginine, which is basic and polar, at codon 1098 of the PKD1L1 protein (p.Gly1098Arg). This variant is present in population databases (rs141636360, gnomAD 0.01%). This variant has not been reported in the literature in individuals affected with PKD1L1-related conditions. ClinVar contains an entry for this variant (Variation ID: 2469794). Invitae Evidence Modeling of protein sequence and biophysical properties (such as structural, functional, and spatial information, amino acid conservation, physicochemical variation, residue mobility, and thermodynamic stability) indicates that this missense variant is not expected to disrupt PKD1L1 protein function with a negative predictive value of 80%. In summary, the available evidence is currently insufficient to determine the role of this variant in disease. Therefore, it has been classified as a Variant of Uncertain Significance.

Ambry Genetics
Classification: Uncertain significance for Inborn genetic diseases. Last evaluated: 2023-01-23. Review status: criteria provided, single submitter. Criteria: Ambry Variant Classification Scheme 2023. Collection method: clinical testing. Allele origin: germline.

NM_138295.5(PKD1L1):c.3292G>A (p.Gly1098Arg)

Gene: PKD1L1 (polycystin 1 like 1, transient receptor potential channel interacting; minus strand). Cytogenetic location: 7p12.3.
Variant type: single nucleotide variant.
Coding change: c.3292G>A on transcript NM_138295.5 (MANE Select); coding-DNA position 3292, G replaced by A.
Protein change: p.Gly1098Arg; replaces glycine 1098 with arginine.
Molecular consequence: missense variant.
Genome position (GRCh38, 1-based): chr7:47,882,059, C>T on the plus strand (G>A on the coding strand, the complement: PKD1L1 is on the minus strand). VCF-style: chr7-47882059-C-T. GRCh37 (hg19) VCF-style: chr7-47921657-C-T.
Other names: short protein forms G1098R.
Identifiers: ClinVar variation 2469794 (VCV002469794.3), dbSNP rs141636360, ClinGen allele CA4253467.